The following is an entry in ClinVar:

ClinVar aggregate classification (germline): Uncertain significance. Review status: criteria provided, multiple submitters, no conflicts (2 of 4 stars). 2 submissions from 2 submitters: Uncertain significance (2). Last evaluated 2026-05-26.

Conditions:
APP-related disorder. Also called: APP-related condition.

gnomAD v4.1: 70 of 1,613,940 alleles (0.0043%); highest among the groups gnomAD compares: Middle Eastern, 0.016%; no homozygotes.

Submissions (2):

PreventionGenetics, part of Exact Sciences
Classification: Uncertain significance for APP-related condition. Last evaluated: 2026-05-26. Review status: criteria provided, single submitter. Criteria: ACMG Guidelines, 2015. Collection method: clinical testing. Allele origin: germline.
Comment: The APP c.1859C>T variant is predicted to result in the amino acid substitution p.Pro620Leu. This variant has been reported in an individual with early-onset Alzheimer disease (Sassi et al. 2014. PubMed ID: 24880964) and in an individual with cerebral amyloid angiopathy (Tan et al. 2019. PubMed ID: 31719132). In vitro experimental studies using mouse neuroblastoma cells suggest that this variant significantly increases Aβ40 and Aβ42 levels without altering the Aβ42/40 ratio (Hsu et al. 2020. PubMed ID: 32087291). This variant is reported in 0.0062% of alleles in individuals of African descent in gnomAD. At this time, the clinical significance of this variant is uncertain due to the absence of conclusive functional and genetic evidence.

GeneDx
Classification: Uncertain significance. Last evaluated: 2024-07-31. Review status: criteria provided, single submitter. Criteria: GeneDx Variant Classification Process June 2021. Collection method: clinical testing. Allele origin: germline. Affected: yes.
Comment: Reported previously in a patient with younger onset small vessel disease stroke; however, no further clinical or segregation information was provided (PMID: 31719132); Reported previously in a patient with early-onset Alzheimer's disease and not seen in the control cohort (PMID: 24880964); Published in vitro studies in mouse cells showed that this variant increases AB40 and AB42 but the ratio remains the same (PMID: 32087291); In silico analysis supports that this missense variant has a deleterious effect on protein structure/function; This variant is associated with the following publications: (PMID: 31719132, 33822840, 37307834, 30510423, 32087291, 24880964)

NM_000484.4(APP):c.1859C>T (p.Pro620Leu)

Gene: APP (amyloid beta precursor protein; minus strand). Cytogenetic location: 21q21.3.
Variant type: single nucleotide variant.
Coding change: c.1859C>T on transcript NM_000484.4 (MANE Select); coding-DNA position 1859, C replaced by T.
Protein change: p.Pro620Leu; replaces proline 620 with leucine.
Molecular consequence: missense variant.
Genome position (GRCh38, 1-based): chr21:25,911,791, G>A on the plus strand (C>T on the coding strand, the complement: APP is on the minus strand). VCF-style: chr21-25911791-G-A. GRCh37 (hg19) VCF-style: chr21-27284103-G-A.
Other names: c.1787C>T, p.Pro596Leu (NM_001136016.3); c.1466C>T, p.Pro489Leu (NM_001136129.3); c.1691C>T, p.Pro564Leu (NM_001136130.3, NM_001385253.1); c.1529C>T, p.Pro510Leu (NM_001136131.3); c.1859C>T, p.Pro620Leu (NM_001204301.2); c.1802C>T, p.Pro601Leu (NM_001204302.2, NM_201413.3); c.1634C>T, p.Pro545Leu (NM_001204303.2, NM_201414.3); short protein forms P489L, P510L, P545L, P564L, P596L, P601L, P620L.
Identifiers: ClinVar variation 3602205 (VCV003602205.2).
Genomic context (GRCh38, chr21:25,911,791, plus strand): 5'-GGACTCTTACCTTCGTTTTCTGTGTTGGCTGGCACAGAGTCAGCCCCAAAAGAATGCCAC[G>A]GCTGGAGATCGTCCAGGCTGAACTCTCCATTCACGGGAAGGAGCTCCACGGTGGTTTTCG-3'
Protein context (NP_000475.1, residues 610-630): NGEFSLDDLQ[Pro620Leu]WHSFGADSVP